The following is an entry in ClinVar:

ClinVar aggregate classification (germline): Conflicting classifications of pathogenicity. Review status: criteria provided, conflicting classifications (1 of 4 stars). 5 submissions from 5 submitters: Uncertain significance (4); Likely benign (1). Last evaluated 2025-09-11.

Conditions:
Lynch syndrome. Identifiers: Orphanet 144, MedGen C4552100, MONDO:0005835. Disease mechanism: loss of function.
Hereditary cancer-predisposing syndrome. Also called: Tumor predisposition; Hereditary Cancer Syndrome; Hereditary neoplastic syndrome; Neoplastic Syndromes, Hereditary. Identifiers: Orphanet 140162, MedGen C0027672, MeSH D009386, MONDO:0015356.
Hereditary nonpolyposis colorectal neoplasms. Identifiers: MedGen C0009405, MeSH D003123.

Allele frequency attached by ClinVar (database versions not stated): gnomAD exomes 0.00001; TOPMed 0.00002.
gnomAD v4.1: 4 of 1,614,154 alleles (0.00025%); highest among the groups gnomAD compares: Non-Finnish European, 0.00025%; no homozygotes.

Submissions (5):

Labcorp Genetics (formerly Invitae), Labcorp
Classification: Likely benign for Hereditary nonpolyposis colorectal neoplasms. Last evaluated: 2025-09-11. Review status: criteria provided, single submitter. Criteria: Invitae Variant Classification Sherloc (09022015). Collection method: clinical testing. Allele origin: germline.

Center for Genomic Medicine, Rigshospitalet, Copenhagen University Hospital
Classification: Uncertain significance. Last evaluated: 2025-03-04. Review status: criteria provided, single submitter. Criteria: ACMG Guidelines, 2015. Collection method: clinical testing. Allele origin: germline.

All of Us Research Program, National Institutes of Health
Classification: Uncertain significance for Lynch syndrome. Last evaluated: 2024-08-23. Review status: criteria provided, single submitter. Criteria: ACMG Guidelines, 2015. Collection method: clinical testing. Allele origin: germline. Inheritance: Autosomal dominant inheritance. Observed: 1 variant allele, 1 heterozygote.
Comment: This missense variant replaces methionine with valine at codon 662 of the MSH6 protein. Computational prediction is inconclusive regarding the impact of this variant on protein structure and function (internally defined REVEL score threshold 0.5 < inconclusive < 0.7, PMID: 27666373). To our knowledge, functional studies have not been reported for this variant. This variant has not been reported in individuals affected with MSH6-related disorders in the literature. This variant has been identified in 2/251142 chromosomes in the general population by the Genome Aggregation Database (gnomAD). The available evidence is insufficient to determine the role of this variant in disease conclusively. Therefore, this variant is classified as a Variant of Uncertain Significance.

This study involves interpretation of variants in research participants for the purpose of population health screening. Participant phenotype was not available at the time of variant classification. Additional details can be found in publication PMID: 35346344, PMCID: PMC8962531

Color Diagnostics, LLC DBA Color Health
Classification: Uncertain significance for Hereditary cancer-predisposing syndrome. Last evaluated: 2024-08-13. Review status: criteria provided, single submitter. Criteria: ACMG Guidelines, 2015. Collection method: clinical testing. Allele origin: germline.
Comment: This missense variant replaces methionine with valine at codon 662 of the MSH6 protein. Computational prediction is inconclusive regarding the impact of this variant on protein structure and function. To our knowledge, functional studies have not been reported for this variant. This variant has not been reported in individuals affected with MSH6-related disorders in the literature. This variant has been identified in 2/251142 chromosomes in the general population by the Genome Aggregation Database (gnomAD). The available evidence is insufficient to determine the role of this variant in disease conclusively. Therefore, this variant is classified as a Variant of Uncertain Significance.

Ambry Genetics
Classification: Uncertain significance for Hereditary cancer-predisposing syndrome. Last evaluated: 2023-11-29. Review status: criteria provided, single submitter. Criteria: Ambry Variant Classification Scheme 2023. Collection method: clinical testing. Allele origin: germline.
Comment: The p.M662V variant (also known as c.1984A>G), located in coding exon 4 of the MSH6 gene, results from an A to G substitution at nucleotide position 1984. The methionine at codon 662 is replaced by valine, an amino acid with highly similar properties. This amino acid position is well conserved in available vertebrate species. In addition, the in silico prediction for this alteration is inconclusive. Since supporting evidence is limited at this time, the clinical significance of this alteration remains unclear.

NM_000179.3(MSH6):c.1984A>G (p.Met662Val)

Gene: MSH6 (mutS homolog 6; plus strand). Cytogenetic location: 2p16.3.
Variant type: single nucleotide variant.
Coding change: c.1984A>G on transcript NM_000179.3 (MANE Select); coding-DNA position 1984, A replaced by G.
Protein change: p.Met662Val; replaces methionine 662 with valine.
Molecular consequence: missense variant.
Genome position (GRCh38, 1-based): chr2:47,799,967, A>G. VCF-style: chr2-47799967-A-G. GRCh37 (hg19) VCF-style: chr2-48027106-A-G.
Other names: c.1594A>G, p.Met532Val (NM_001281492.2); c.1078A>G, p.Met360Val (NM_001281493.2, NM_001281494.2); short protein forms M662V, M532V, M360V.
Identifiers: ClinVar variation 410510 (VCV000410510.21), dbSNP rs1060502935, ClinGen allele CA16610994.
Genomic context (GRCh38, chr2:47,799,967, plus strand): 5'-TATTTTAGGGAAAAGCTAAGTGATGGCATTGGGGTGATGTTACCCCAGGTGCTTAAAGGT[A>G]TGACTTCAGAGTCTGATTCCATTGGGTTGACACCAGGAGAGAAAAGTGAATTGGCCCTCT-3'
Protein context (NP_000170.1, residues 652-672): GVMLPQVLKG[Met662Val]TSESDSIGLT